The following is an entry in ClinVar:

NM_182641.4(BPTF):c.6320C>T (p.Ser2107Phe)

Gene: BPTF (bromodomain PHD finger transcription factor; plus strand). Cytogenetic location: 17q24.2.
Variant type: single nucleotide variant.
Coding change: c.6320C>T on transcript NM_182641.4 (MANE Select); coding-DNA position 6320, C replaced by T.
Protein change: p.Ser2107Phe; replaces serine 2107 with phenylalanine.
Molecular consequence: missense variant.
Genome position (GRCh38, 1-based): chr17:67,940,499, C>T. VCF-style: chr17-67940499-C-T. GRCh37 (hg19) VCF-style: chr17-65936615-C-T.
Other names: c.6671C>T, p.Ser2224Phe (NM_001439141.1); c.6698C>T, p.Ser2233Phe (NM_001439142.1, NM_004459.7, NM_001439140.1); c.6509C>T, p.Ser2170Phe (NM_001439143.1, NM_001439144.1, NM_001439139.1); short protein forms S2107F, S2170F, S2224F, S2233F.
Identifiers: ClinVar variation 4883351 (VCV004883351.2).

ClinVar aggregate classification (germline): Uncertain significance (1 of 4 stars; one submission).

Conditions:
Neurodevelopmental disorder with dysmorphic facies and distal limb anomalies. Identifiers: Orphanet 686482, MedGen C4540327, MONDO:0060596, OMIM 617755.

Submission:

Dasa
Classification: Uncertain significance for Neurodevelopmental disorder with dysmorphic facies and distal limb anomalies. Last evaluated: 2025-10-05. Review status: criteria provided, single submitter. Criteria: DASA Assertion Criteria. Collection method: clinical testing. Allele origin: germline.
Comment: NM_182641.4(BPTF):c.6320C>T (p.Ser2107Phe) is a missense variant that results in the substitution of serine with phenylalanine. This variant is absent from population databases. The currently available literature and clinical evidence are not sufficient to establish a definitive association between this variant and the reported condition. Therefore, this variant is classified as a variant of uncertain significance.